The following is an entry in ClinVar:

ClinVar aggregate classification (germline): Benign (1 of 4 stars; one submission).

Conditions:
Leigh syndrome (NULS). Also called: Leigh's necrotizing encephalopathy; Leigh's disease; Leigh Syndrome (mtDNA deletion); Leigh Disease; Subacute necrotizing encephalopathy; Necrotizing encephalopathy infantile subacute of Leigh. Identifiers: Orphanet 506, MedGen C2931891, MONDO:0009723, OMIM 256000.

Submission:

Wong Mito Lab, Molecular and Human Genetics, Baylor College of Medicine
Classification: Benign for Leigh syndrome. Last evaluated: 2019-10-17. Review status: criteria provided, single submitter. Criteria: Modified ACMG Guidelines (Unpublished). Collection method: clinical testing. Allele origin: germline.
Comment: The NC_012920.1:m.7150T>C (YP_003024028.1:p.Ile416Thr) variant in MTCO1 gene is interpretated to be a Benign variant based on the modified ACMG guidelines (unpublished). This variant meets the following evidence codes: BS1, BS4

NC_012920.1(MT-CO1):m.7150T>C

Gene: MT-CO1 (mitochondrially encoded cytochrome c oxidase I; plus strand).
Variant type: single nucleotide variant.
Genome position: chrM-7150-T-C.
Identifiers: ClinVar variation 692708 (VCV000692708.1), dbSNP rs1603220803, ClinGen allele CA414791564.